The following is an entry in ClinVar:

ClinVar aggregate classification (germline): Uncertain significance (1 of 4 stars; one submission).

Conditions:
Hereditary cancer-predisposing syndrome. Also called: Neoplastic Syndromes, Hereditary; Tumor predisposition; Hereditary Cancer Syndrome; Hereditary neoplastic syndrome. Identifiers: Orphanet 140162, MedGen C0027672, MeSH D009386, MONDO:0015356.

Submission:

Ambry Genetics
Classification: Uncertain significance for Hereditary cancer-predisposing syndrome. Last evaluated: 2024-09-02. Review status: criteria provided, single submitter. Criteria: Ambry Variant Classification Scheme 2023. Collection method: clinical testing. Allele origin: germline.
Comment: The p.A1353E variant (also known as c.4058C>A), located in coding exon 23 of the PTCH1 gene, results from a C to A substitution at nucleotide position 4058. The alanine at codon 1353 is replaced by glutamic acid, an amino acid with dissimilar properties. This amino acid position is conserved. In addition, this alteration is predicted to be tolerated by in silico analysis. Based on the available evidence, the clinical significance of this variant remains unclear.

NM_000264.5(PTCH1):c.4058C>A (p.Ala1353Glu)

Gene: PTCH1 (patched 1; minus strand). Cytogenetic location: 9q22.32.
Variant type: single nucleotide variant.
Coding change: c.4058C>A on transcript NM_000264.5 (MANE Select); coding-DNA position 4058, C replaced by A.
Protein change: p.Ala1353Glu; replaces alanine 1353 with glutamic acid.
Molecular consequence: missense variant. On other transcripts: non-coding transcript variant (1).
Genome position (GRCh38, 1-based): chr9:95,447,198, G>T on the plus strand (C>A on the coding strand, the complement: PTCH1 is on the minus strand). VCF-style: chr9-95447198-G-T. GRCh37 (hg19) VCF-style: chr9-98209480-G-T.
Other names: c.3860C>A, p.Ala1287Glu (NM_001083602.3); c.4055C>A, p.Ala1352Glu (NM_001083603.3); c.3605C>A, p.Ala1202Glu (NM_001083604.3, NM_001083605.3, NM_001083606.3 and 1 more transcripts); c.3902C>A, p.Ala1301Glu (NM_001354918.2); short protein forms A1352E, A1202E, A1287E, A1301E, A1353E.
Identifiers: ClinVar variation 3427278 (VCV003427278.1).